The following is an entry in ClinVar:

ClinVar aggregate classification (germline): Uncertain significance (1 of 4 stars; one submission).

Conditions:
Emery-Dreifuss muscular dystrophy (EDMD). Also called: Scapuloperoneal syndrome, X-linked (formerly); Humeroperoneal neuromuscular disease, (formerly). Identifiers: Orphanet 261, MedGen C0410189, MONDO:0016830.

Allele frequency attached by ClinVar (database versions not stated): TOPMed below 0.00001.

Submission:

Labcorp Genetics (formerly Invitae), Labcorp
Classification: Uncertain significance for Emery-Dreifuss muscular dystrophy. Last evaluated: 2024-12-24. Review status: criteria provided, single submitter. Criteria: Invitae Variant Classification Sherloc (09022015). Collection method: clinical testing. Allele origin: germline.
Comment: This sequence change replaces phenylalanine, which is neutral and non-polar, with leucine, which is neutral and non-polar, at codon 149 of the SUN1 protein (p.Phe149Leu). This variant is not present in population databases (gnomAD no frequency). This variant has not been reported in the literature in individuals affected with SUN1-related conditions. ClinVar contains an entry for this variant (Variation ID: 1386090). An algorithm developed to predict the effect of missense changes on protein structure and function (PolyPhen-2) suggests that this variant is likely to be tolerated. In summary, the available evidence is currently insufficient to determine the role of this variant in disease. Therefore, it has been classified as a Variant of Uncertain Significance.

NM_001130965.3(SUN1):c.447C>A (p.Phe149Leu)

Gene: SUN1 (Sad1 and UNC84 domain containing 1; plus strand). Cytogenetic location: 7p22.3.
Variant type: single nucleotide variant.
Coding change: c.447C>A on transcript NM_001130965.3 (MANE Select); coding-DNA position 447, C replaced by A.
Protein change: p.Phe149Leu; replaces phenylalanine 149 with leucine.
Molecular consequence: missense variant. On other transcripts: 5 prime UTR variant (4), non-coding transcript variant (3).
Genome position (GRCh38, 1-based): chr7:842,126, C>A. VCF-style: chr7-842126-C-A. GRCh37 (hg19) VCF-style: chr7-881763-C-A.
Other names: c.447C>A, p.Phe149Leu (NM_001171944.2, NM_001171946.2, NM_001367633.1 and 34 more transcripts); c.510C>A, p.Phe170Leu (NM_001171945.2); c.-11C>A (NM_001367635.1); c.297C>A, p.Phe99Leu (NM_001367636.1, NM_001367637.1, NM_001367644.1 and 24 more transcripts); c.-121C>A (NM_001367639.1, NM_001367708.1); c.666C>A, p.Phe222Leu (NM_001367651.1); c.-315C>A (NM_001367658.1); c.258C>A, p.Phe86Leu (NM_001367695.1); short protein forms F170L, F99L, F222L, F149L, F86L.
Identifiers: ClinVar variation 1386090 (VCV001386090.6), dbSNP rs1810622107, ClinGen allele CA366547198.